The following is an entry in ClinVar:

NM_002693.3(POLG):c.1082G>C (p.Arg361Thr)

Gene: POLG (DNA polymerase gamma, catalytic subunit; minus strand). Cytogenetic location: 15q26.1.
Variant type: single nucleotide variant.
Coding change: c.1082G>C on transcript NM_002693.3 (MANE Select); coding-DNA position 1082, G replaced by C.
Protein change: p.Arg361Thr; replaces arginine 361 with threonine.
Molecular consequence: missense variant.
Genome position (GRCh38, 1-based): chr15:89,328,773, C>G on the plus strand (G>C on the coding strand, the complement: POLG is on the minus strand). VCF-style: chr15-89328773-C-G. GRCh37 (hg19) VCF-style: chr15-89872004-C-G.
Other names: c.1082G>C, p.Arg361Thr (NM_001126131.2); short protein forms R361T.
Identifiers: ClinVar variation 2814693 (VCV002814693.3), dbSNP rs2509261345, ClinGen allele CA393764967.

ClinVar aggregate classification (germline): Uncertain significance (1 of 4 stars; one submission).

Conditions:
Progressive sclerosing poliodystrophy (MTDPS4A). Also called: ALPERS PROGRESSIVE INFANTILE POLIODYSTROPHY; NEURONAL DEGENERATION OF CHILDHOOD WITH LIVER DISEASE, PROGRESSIVE; Alpers Syndrome; ALPERS DIFFUSE DEGENERATION OF CEREBRAL GRAY MATTER WITH HEPATIC CIRRHOSIS; Alpers-Huttenlocher Syndrome; Mitochondrial DNA Depletion Syndrome 4A. Identifiers: Orphanet 726, MedGen C0205710, MONDO:0008758, OMIM 203700.

Allele frequency attached by ClinVar (database versions not stated): gnomAD exomes below 0.00001.
gnomAD v4.1: 1 of 1,614,152 alleles (0.000062%); highest among the groups gnomAD compares: African/African-American, 0.0013%; no homozygotes.

Submission:

Labcorp Genetics (formerly Invitae), Labcorp
Classification: Uncertain significance for Progressive sclerosing poliodystrophy. Last evaluated: 2023-07-06. Review status: criteria provided, single submitter. Criteria: Invitae Variant Classification Sherloc (09022015). Collection method: clinical testing. Allele origin: germline.
Comment: In summary, the available evidence is currently insufficient to determine the role of this variant in disease. Therefore, it has been classified as a Variant of Uncertain Significance. Advanced modeling of protein sequence and biophysical properties (such as structural, functional, and spatial information, amino acid conservation, physicochemical variation, residue mobility, and thermodynamic stability) performed at Invitae indicates that this missense variant is not expected to disrupt POLG protein function. This variant has not been reported in the literature in individuals affected with POLG-related conditions. This variant is not present in population databases (gnomAD no frequency). This sequence change replaces arginine, which is basic and polar, with threonine, which is neutral and polar, at codon 361 of the POLG protein (p.Arg361Thr).